The following is an entry in ClinVar:

ClinVar aggregate classification (germline): Likely pathogenic (1 of 4 stars; one submission).

Conditions:
Neurodevelopmental disorder with cerebellar atrophy and motor dysfunction. Identifiers: MedGen C5543427, MONDO:0859152, OMIM 619333.

Allele frequency attached by ClinVar (database versions not stated): TOPMed 0.00001; gnomAD 0.00002; gnomAD exomes 0.00003.
gnomAD v4.1: 42 of 1,612,582 alleles (0.0026%); highest among the groups gnomAD compares: Non-Finnish European, 0.0035%; no homozygotes.

Submission:

Greenwood Genetic Center Diagnostic Laboratories, Greenwood Genetic Center
Classification: Likely pathogenic for Neurodevelopmental disorder with cerebellar atrophy and motor dysfunction. Last evaluated: 2022-05-06. Review status: criteria provided, single submitter. Criteria: ACMG Guidelines, 2015. Collection method: clinical testing. Allele origin: germline. Affected: yes.
Comment: PVS1, PM2

NM_015465.5(GEMIN5):c.1267C>T (p.Gln423Ter)

Gene: GEMIN5 (gem nuclear organelle associated protein 5; minus strand). Cytogenetic location: 5q33.2.
Variant type: single nucleotide variant.
Coding change: c.1267C>T on transcript NM_015465.5 (MANE Select); coding-DNA position 1267, C replaced by T.
Protein change: p.Gln423Ter; replaces glutamine 423 with a stop codon.
Molecular consequence: nonsense.
Genome position (GRCh38, 1-based): chr5:154,925,888, G>A on the plus strand (C>T on the coding strand, the complement: GEMIN5 is on the minus strand). VCF-style: chr5-154925888-G-A. GRCh37 (hg19) VCF-style: chr5-154305448-G-A.
Other names: c.1264C>T, p.Gln422Ter (NM_001252156.2); short protein forms Q422*, Q423*.
Identifiers: ClinVar variation 1703188 (VCV001703188.3), dbSNP rs1348407784, ClinGen allele CA361924135.